The following is an entry in ClinVar:

ClinVar aggregate classification (germline): Uncertain significance. Review status: criteria provided, multiple submitters, no conflicts (2 of 4 stars). 2 submissions from 2 submitters: Uncertain significance (2). Last evaluated 2023-05-17.

Conditions:
Inborn genetic diseases. Identifiers: MedGen C0950123, MeSH D030342.

Allele frequency attached by ClinVar (database versions not stated): gnomAD 0.00001 and 0.00002; gnomAD exomes 0.00001 and 0.00002; ExAC 0.00002; TOPMed 0.00003.
gnomAD v4.1: 18 of 1,604,708 alleles (0.0011%); highest among the groups gnomAD compares: Middle Eastern, 0.016%; no homozygotes.

Submissions (2):

Ambry Genetics
Classification: Uncertain significance for Inborn genetic diseases. Last evaluated: 2023-05-17. Review status: criteria provided, single submitter. Criteria: Ambry Variant Classification Scheme 2023. Collection method: clinical testing. Allele origin: germline.

Labcorp Genetics (formerly Invitae), Labcorp
Classification: Uncertain significance. Last evaluated: 2022-02-27. Review status: criteria provided, single submitter. Criteria: Invitae Variant Classification Sherloc (09022015). Collection method: clinical testing. Allele origin: germline.
Comment: This sequence change replaces arginine, which is basic and polar, with histidine, which is basic and polar, at codon 877 of the MYO5B protein (p.Arg877His). The frequency data for this variant in the population databases is considered unreliable, as metrics indicate poor data quality at this position in the gnomAD database. This variant has not been reported in the literature in individuals affected with MYO5B-related conditions. Algorithms developed to predict the effect of missense changes on protein structure and function output the following: SIFT: "Deleterious"; PolyPhen-2: "Benign"; Align-GVGD: "Class C25". The histidine amino acid residue is found in multiple mammalian species, which suggests that this missense change does not adversely affect protein function. In summary, the available evidence is currently insufficient to determine the role of this variant in disease. Therefore, it has been classified as a Variant of Uncertain Significance.

NM_001080467.3(MYO5B):c.2630G>A (p.Arg877His)

Gene: MYO5B (myosin VB; minus strand). Cytogenetic location: 18q21.1.
Variant type: single nucleotide variant.
Coding change: c.2630G>A on transcript NM_001080467.3 (MANE Select); coding-DNA position 2630, G replaced by A.
Protein change: p.Arg877His; replaces arginine 877 with histidine.
Molecular consequence: missense variant.
Genome position (GRCh38, 1-based): chr18:49,902,775, C>T on the plus strand (G>A on the coding strand, the complement: MYO5B is on the minus strand). VCF-style: chr18-49902775-C-T. GRCh37 (hg19) VCF-style: chr18-47429145-C-T.
Other names: c.2630G>A (NM_001080467.2); short protein forms R877H.
Identifiers: ClinVar variation 1427440 (VCV001427440.4), dbSNP rs745379191, ClinGen allele CA8960989.